The following is an entry in ClinVar:

NM_006180.6(NTRK2):c.1937+7_1937+8dup

Gene: NTRK2 (neurotrophic receptor tyrosine kinase 2; plus strand). Cytogenetic location: 9q21.33.
Variant type: Duplication.
Coding change: c.1937+7_1937+8dup on transcript NM_006180.6 (MANE Select); bases 7 to 8 of the intron after coding-DNA position 1937, 2 bases duplicated (TG; older notation c.1937+7_1937+8dupTG).
Molecular consequence: intron variant.
Genome position (GRCh38, 1-based): chr9:84,948,641-84,948,642, TG duplicated; duplicating any 2 consecutive bases within chr9:84,948,640-84,948,642 gives the same sequence; the c. name uses the placement nearest the transcript's 3' end. VCF-style (leftmost placement, unchanged base first): chr9-84948639-A-AGT. GRCh37 (hg19) VCF-style: chr9-87563554-A-AGT.
Other names: c.1937+7_1937+8dupTG (NM_006180.4); c.1889+7_1889+8dup (NM_001369532.1, NM_001369533.1, NM_001018064.3); c.1853+7_1853+8dup (NM_001369534.1); c.1469+7_1469+8dup (NM_001369536.1); c.1421+7_1421+8dup (NM_001369535.1).
Identifiers: ClinVar variation 2880079 (VCV002880079.4), dbSNP rs747589999, ClinGen allele CA5105868.

ClinVar aggregate classification (germline): Likely benign. Review status: criteria provided, single submitter (1 of 4 stars). 2 submissions from 2 submitters: Likely benign (1). 1 of the submissions does not count toward it. Last evaluated 2024-05-31.

Conditions:
NTRK2-related disorder. Also called: NTRK2-related condition.

Submissions (2):

Labcorp Genetics (formerly Invitae), Labcorp
Classification: Likely benign. Last evaluated: 2024-05-31. Review status: criteria provided, single submitter. Criteria: Invitae Variant Classification Sherloc (09022015). Collection method: clinical testing. Allele origin: germline.

PreventionGenetics, part of Exact Sciences
Classification: Likely benign for NTRK2-related condition. Last evaluated: 2024-02-07. Review status: no assertion criteria provided. Collection method: clinical testing. Allele origin: germline. Not counted in ClinVar's aggregate classification.
Comment: This variant is classified as likely benign based on ACMG/AMP sequence variant interpretation guidelines (Richards et al. 2015 PMID: 25741868, with internal and published modifications).